The following is an entry in ClinVar:

ClinVar aggregate classification (germline): Conflicting classifications of pathogenicity. Review status: criteria provided, conflicting classifications (1 of 4 stars). 6 submissions from 5 submitters: Likely pathogenic (1); Uncertain significance (5). Last evaluated 2024-11-06.

Conditions:
USH2A-related disorder. Also called: USH2A-related disorders; USH2A-related condition. Identifiers: MedGen CN239332.
Usher syndrome type 2A. Also called: RETINAL DISEASE IN USHER SYNDROME TYPE IIA, MODIFIER OF; USHER SYNDROME, TYPE IIA. Identifiers: Orphanet 231178, Orphanet 886, MedGen C1848634, MONDO:0010169, OMIM 276901.
Retinitis pigmentosa 39 (RP39). Identifiers: Orphanet 791, MedGen C3151138, MONDO:0013436, OMIM 613809.

Allele frequency attached by ClinVar (database versions not stated): TOPMed below 0.00001; gnomAD 0.00001; ExAC 0.00002.
gnomAD v4.1: 11 of 1,613,986 alleles (0.00068%); highest among the groups gnomAD compares: Non-Finnish European, 0.00085%; no homozygotes.

Submissions (6):

Blueprint Genetics
Classification: Likely pathogenic for USH2A-related disorders. Last evaluated: 2024-11-06. Review status: criteria provided, single submitter. Criteria: ACMG Guidelines, 2015. Collection method: clinical testing. Allele origin: germline. Affected: yes. Observed: 5 variant alleles.

Genome-Nilou Lab
Classification: Uncertain significance for Retinitis pigmentosa 39. Last evaluated: 2023-11-04. Review status: criteria provided, single submitter. Criteria: ACMG Guidelines, 2015. Collection method: clinical testing. Allele origin: germline. Affected: no.

Genome-Nilou Lab
Classification: Uncertain significance for Usher syndrome type 2A. Last evaluated: 2023-11-04. Review status: criteria provided, single submitter. Criteria: ACMG Guidelines, 2015. Collection method: clinical testing. Allele origin: germline. Affected: no.

GeneDx
Classification: Uncertain significance. Last evaluated: 2023-07-26. Review status: criteria provided, single submitter. Criteria: GeneDx Variant Classification Process June 2021. Collection method: clinical testing. Allele origin: germline. Affected: yes.
Comment: Not observed at significant frequency in large population cohorts (gnomAD); In silico analysis supports that this missense variant has a deleterious effect on protein structure/function; Has not been previously published as pathogenic or benign to our knowledge

Labcorp Genetics (formerly Invitae), Labcorp
Classification: Uncertain significance. Last evaluated: 2022-07-18. Review status: criteria provided, single submitter. Criteria: Invitae Variant Classification Sherloc (09022015). Collection method: clinical testing. Allele origin: germline.
Comment: This sequence change replaces threonine, which is neutral and polar, with isoleucine, which is neutral and non-polar, at codon 1238 of the USH2A protein (p.Thr1238Ile). This variant is present in population databases (rs768461447, gnomAD 0.003%). This variant has not been reported in the literature in individuals affected with USH2A-related conditions. ClinVar contains an entry for this variant (Variation ID: 932084). Algorithms developed to predict the effect of missense changes on protein structure and function are either unavailable or do not agree on the potential impact of this missense change (SIFT: "Deleterious"; PolyPhen-2: "Probably Damaging"; Align-GVGD: "Class C0"). This variant disrupts the p.Thr1238 amino acid residue in USH2A. Other variant(s) that disrupt this residue have been determined to be pathogenic (PMID: 21151602, 28894305; Invitae). This suggests that this residue is clinically significant, and that variants that disrupt this residue are likely to be disease-causing. In summary, the available evidence is currently insufficient to determine the role of this variant in disease. Therefore, it has been classified as a Variant of Uncertain Significance.

Centre for Mendelian Genomics, University Medical Centre Ljubljana
Classification: Uncertain significance for Usher syndrome type 2A. Last evaluated: 2019-03-17. Review status: criteria provided, single submitter. Criteria: ACMG Guidelines, 2015. Collection method: clinical testing. Allele origin: unknown. Affected: yes.
Comment: This variant was classified as: Uncertain significance. The available evidence on this variant's pathogenicity is insufficient or conflicting. The following ACMG criteria were applied in classifying this variant: PM1,PM2,PP3.

Literature cited by the submitters: PubMed 21151602 (cited by Labcorp Genetics (formerly Invitae), Labcorp); PubMed 28894305 (cited by Labcorp Genetics (formerly Invitae), Labcorp).

NM_206933.4(USH2A):c.3713C>T (p.Thr1238Ile)

Genes: USH2A (usherin; minus strand), USH2A-AS1 (USH2A antisense RNA 1; plus strand). Cytogenetic location: 1q41.
Variant type: single nucleotide variant.
Coding change: c.3713C>T on transcript NM_206933.4 (MANE Select); coding-DNA position 3713, C replaced by T.
Protein change: p.Thr1238Ile; replaces threonine 1238 with isoleucine.
Molecular consequence: missense variant.
Genome position (GRCh38, 1-based): chr1:216,199,725, G>A on the plus strand (C>T on the coding strand, the complement: USH2A is on the minus strand). VCF-style: chr1-216199725-G-A. GRCh37 (hg19) VCF-style: chr1-216373067-G-A.
Other names: c.3713C>T, p.Thr1238Ile (NM_007123.6); short protein forms T1238I.
Identifiers: ClinVar variation 932084 (VCV000932084.7), dbSNP rs768461447, ClinGen allele CA1395937.
Genomic context (GRCh38, chr1:216,199,725, plus strand): 5'-TCTGTAGAACTGATTTTCTGCATCTTAGGTGGACTTAGTCTTTGGGGAGGGGCCTGGGCT[G>A]TGGTCACTGTAATGGGCAAGCTGTGTAAACAGCCCCCGCTAGTACACGCCTGTACAGAAA-3'
Protein context (NP_996816.3, residues 1228-1248): CLHSLPITVT[Thr1238Ile]AQAPPQRLSP